The following is an entry in ClinVar:

NM_015311.3(OBSL1):c.5269_5289del (p.Pro1757_Arg1763del)

Gene: OBSL1 (obscurin like cytoskeletal adaptor 1; minus strand). Cytogenetic location: 2q35.
Variant type: Deletion.
Coding change: c.5269_5289del on transcript NM_015311.3 (MANE Select); coding-DNA positions 5269 to 5289, 21 bases deleted (CCGCTGAGACCCGGAGCCCGC).
Protein change: p.Pro1757_Arg1763del.
Genome position (GRCh38, 1-based): chr2:219,552,555-219,552,575, GCGGGCTCCGGGTCTCAGCGG deleted on the plus strand (CCGCTGAGACCCGGAGCCCGC on the coding strand, the reverse complement: OBSL1 is on the minus strand); deleting any 21 consecutive bases within chr2:219,552,555-219,552,579 gives the same sequence; the c. name uses the placement nearest the transcript's 3' end. VCF-style (leftmost placement, unchanged base first): chr2-219552554-CGCGGGCTCCGGGTCTCAGCGG-C. GRCh37 (hg19) VCF-style: chr2-220417276-CGCGGGCTCCGGGTCTCAGCGG-C.
Identifiers: ClinVar variation 3700973 (VCV003700973.2).

ClinVar aggregate classification (germline): Uncertain significance (1 of 4 stars; one submission).

Submission:

Labcorp Genetics (formerly Invitae), Labcorp
Classification: Uncertain significance. Last evaluated: 2025-08-18. Review status: criteria provided, single submitter. Criteria: Invitae Variant Classification Sherloc (09022015). Collection method: clinical testing. Allele origin: germline.
Comment: This variant, c.5269_5289del, results in the deletion of 7 amino acid(s) of the OBSL1 protein (p.Pro1757_Arg1763del), but otherwise preserves the integrity of the reading frame. This variant is present in population databases (no rsID available, gnomAD 0.01%). This variant has not been reported in the literature in individuals affected with OBSL1-related conditions. ClinVar contains an entry for this variant (Variation ID: 3700973). Experimental studies and prediction algorithms are not available or were not evaluated, and the functional significance of this variant is currently unknown. In summary, the available evidence is currently insufficient to determine the role of this variant in disease. Therefore, it has been classified as a Variant of Uncertain Significance.